The following is an entry in ClinVar:

ClinVar aggregate classification (germline): Benign (1 of 4 stars; one submission).

Allele frequency attached by ClinVar (database versions not stated): 1000 Genomes Project 0.05312; 1000 Genomes Project 30x 0.05684; gnomAD 0.06209 and 0.06505; TOPMed 0.06837.
gnomAD v4.1: 9,432 of 152,174 alleles (6.2%); highest among the groups gnomAD compares: African/African-American, 12%; 448 homozygotes.

Submission:

GeneDx
Classification: Benign. Last evaluated: 2018-06-17. Review status: criteria provided, single submitter. Criteria: GeneDx Variant Classification (06012015). Collection method: clinical testing. Allele origin: germline. Affected: yes.
Comment: This variant is considered likely benign or benign based on one or more of the following criteria: it is a conservative change, it occurs at a poorly conserved position in the protein, it is predicted to be benign by multiple in silico algorithms, and/or has population frequency not consistent with disease.

NM_153717.3(EVC):c.2782+173G>T

Gene: EVC (EvC ciliary complex subunit 1; plus strand). Cytogenetic location: 4p16.2.
Variant type: single nucleotide variant.
Coding change: c.2782+173G>T on transcript NM_153717.3 (MANE Select); 173 bases into the intron after coding-DNA position 2782, G replaced by T.
Molecular consequence: intron variant.
Genome position (GRCh38, 1-based): chr4:5,809,784, G>T. VCF-style: chr4-5809784-G-T. GRCh37 (hg19) VCF-style: chr4-5811511-G-T.
Other names: c.2782+173G>T (NM_001306090.2).
Identifiers: ClinVar variation 669970 (VCV000669970.1), dbSNP rs113039000, ClinGen allele CA11805708.